The following is an entry in ClinVar:

ClinVar aggregate classification (germline): Pathogenic (1 of 4 stars; one submission).

Conditions:
Cornelia de Lange syndrome 1 (CDLS1). Also called: NIPBL-Related Cornelia de Lange Syndrome; TYPUS DEGENERATIVUS AMSTELODAMENSIS; Brachmann de Lange syndrome. Identifiers: Orphanet 199, MedGen C4551851, MONDO:0007387, OMIM 122470.

Submission:

Labcorp Genetics (formerly Invitae), Labcorp
Classification: Pathogenic for Cornelia de Lange syndrome 1. Last evaluated: 2024-05-01. Review status: criteria provided, single submitter. Criteria: Invitae Variant Classification Sherloc (09022015). Collection method: clinical testing. Allele origin: germline.
Comment: This sequence change creates a premature translational stop signal (p.Leu620*) in the NIPBL gene. It is expected to result in an absent or disrupted protein product. Loss-of-function variants in NIPBL are known to be pathogenic (PMID: 15318302, 19763162, 23505322, 29995837). This variant is not present in population databases (gnomAD no frequency). This variant has not been reported in the literature in individuals affected with NIPBL-related conditions. For these reasons, this variant has been classified as Pathogenic.

Literature cited by the submitters: PubMed 15318302; PubMed 19763162; PubMed 23505322; PubMed 29995837.

NM_133433.4(NIPBL):c.1859T>G (p.Leu620Ter)

Gene: NIPBL (NIPBL cohesin loading factor; plus strand). Cytogenetic location: 5p13.2.
Variant type: single nucleotide variant.
Coding change: c.1859T>G on transcript NM_133433.4 (MANE Select); coding-DNA position 1859, T replaced by G.
Protein change: p.Leu620Ter; replaces leucine 620 with a stop codon.
Molecular consequence: nonsense.
Genome position (GRCh38, 1-based): chr5:36,985,039, T>G. VCF-style: chr5-36985039-T-G. GRCh37 (hg19) VCF-style: chr5-36985141-T-G.
Other names: c.1859T>G, p.Leu620Ter (NM_015384.5); short protein forms L620*.
Identifiers: ClinVar variation 3651870 (VCV003651870.2).